The following is an entry in ClinVar:

ClinVar aggregate classification (germline): Conflicting classifications of pathogenicity. Review status: criteria provided, conflicting classifications (1 of 4 stars). 11 submissions from 11 submitters: Uncertain significance (1); Benign (1); Likely benign (7). 2 of the submissions do not count toward it. Last evaluated 2026-06-01.

Conditions:
BRIP1-related disorder. Also called: BRIP1-related condition; BRIP1-related disorders. Identifiers: MedGen CN239206.
Familial cancer of breast. Also called: BREAST CANCER, FAMILIAL; hereditary breast carcinoma; Hereditary breast cancer. Identifiers: Orphanet 227535, MedGen C0346153, MONDO:0016419, OMIM 114480. Disease mechanism: loss of function.
Fanconi anemia complementation group J. Also called: BRIP1-Related Fanconi Anemia. Identifiers: Orphanet 84, MedGen C1836860, MONDO:0012187, OMIM 609054.
Hereditary cancer-predisposing syndrome. Also called: Neoplastic Syndromes, Hereditary; Hereditary neoplastic syndrome; Hereditary Cancer Syndrome; Tumor predisposition. Identifiers: Orphanet 140162, MedGen C0027672, MeSH D009386, MONDO:0015356.

Allele frequency attached by ClinVar (database versions not stated): gnomAD 0.00001; gnomAD exomes 0.00001 and 0.00005; ExAC 0.00004; TOPMed 0.00001.
gnomAD v4.1: 21 of 1,613,452 alleles (0.0013%); highest among the groups gnomAD compares: East Asian, 0.042%; no homozygotes.

Submissions (11):

Institute for Biomarker Research, Medical Diagnostic Laboratories, L.L.C.
Classification: Likely benign for Hereditary cancer-predisposing syndrome. Last evaluated: 2026-06-01. Review status: criteria provided, single submitter. Criteria: ACMG Guidelines, 2015. Collection method: clinical testing. Allele origin: germline.
Comment: The synonymous variant NM_032043.3(BRIP1):c.3567T>C (p.Asp1189=) is not currently classified as pathogenic in clinical sources (Accession: VCV000185173.29). The p.Asp1189= variant is not predicted to disrupt an existing splice site. The p.Asp1189= variant results in a substitution of a base that is not predicted conserved by GERP++ and PhyloP. For these reasons, this variant has been classified as Likely Benign.

Labcorp Genetics (formerly Invitae), Labcorp
Classification: Likely benign for Familial cancer of breast; Fanconi anemia complementation group J. Last evaluated: 2025-12-26. Review status: criteria provided, single submitter. Criteria: Invitae Variant Classification Sherloc (09022015). Collection method: clinical testing. Allele origin: germline.

Quest Diagnostics Nichols Institute San Juan Capistrano
Classification: Likely benign. Last evaluated: 2025-05-29. Review status: criteria provided, single submitter. Criteria: Quest Diagnostics criteria. Collection method: clinical testing. Allele origin: unknown.

Myriad Genetics, Inc.
Classification: Benign for Familial cancer of breast. Last evaluated: 2024-09-10. Review status: criteria provided, single submitter. Criteria: Myriad Autosomal Dominant, Autosomal Recessive and X-Linked Classification Criteria (2023). Collection method: clinical testing. Allele origin: unknown.
Comment: This variant is considered benign. This variant is a silent/synonymous amino acid change and it is not expected to impact splicing.

GeneDx
Classification: Likely benign. Last evaluated: 2020-02-25. Review status: criteria provided, single submitter. Criteria: GeneDx Variant Classification Process June 2021. Collection method: clinical testing. Allele origin: germline. Affected: yes.

Mendelics
Classification: Likely benign for Familial cancer of breast. Last evaluated: 2019-05-28. Review status: criteria provided, single submitter. Criteria: Mendelics Assertion Criteria 2017. Collection method: clinical testing. Allele origin: unknown.

Illumina Laboratory Services, Illumina
Classification: Uncertain significance for Fanconi anemia complementation group J. Last evaluated: 2018-01-13. Review status: criteria provided, single submitter. Criteria: ICSL Variant Classification Criteria 13 December 2019. Collection method: clinical testing. Allele origin: germline.

Color Diagnostics, LLC DBA Color Health
Classification: Likely benign for Hereditary cancer-predisposing syndrome. Last evaluated: 2016-12-22. Review status: criteria provided, single submitter. Criteria: ACMG Guidelines, 2015. Collection method: clinical testing. Allele origin: germline.

Ambry Genetics
Classification: Likely benign for Hereditary cancer-predisposing syndrome. Last evaluated: 2016-05-24. Review status: criteria provided, single submitter. Criteria: Ambry Variant Classification Scheme 2023. Collection method: clinical testing. Allele origin: germline.

PreventionGenetics, part of Exact Sciences
Classification: Likely benign for BRIP1-related condition. Last evaluated: 2019-10-30. Review status: no assertion criteria provided. Collection method: clinical testing. Allele origin: germline. Not counted in ClinVar's aggregate classification.
Comment: This variant is classified as likely benign based on ACMG/AMP sequence variant interpretation guidelines (Richards et al. 2015 PMID: 25741868, with internal and published modifications).

Leiden Open Variation Database
Classification: Benign. Last evaluated: 2019-08-13. Review status: no assertion criteria provided. Collection method: curation. Allele origin: germline. Affected: yes. Not counted in ClinVar's aggregate classification.
Comment: Curator: Arleen D. Auerbach. Submitter to LOVD: Yukihide Momozawa.

Literature cited by the submitters: PubMed 36243179 (cited by Quest Diagnostics Nichols Institute San Juan Capistrano); PubMed 31214711 (cited by Quest Diagnostics Nichols Institute San Juan Capistrano and Leiden Open Variation Database).

NM_032043.3(BRIP1):c.3567T>C (p.Asp1189=)

Gene: BRIP1 (BRCA1 interacting DNA helicase 1; minus strand). Cytogenetic location: 17q23.2.
Variant type: single nucleotide variant.
Coding change: c.3567T>C on transcript NM_032043.3 (MANE Select); coding-DNA position 3567, T replaced by C.
Protein change: p.Asp1189=; no amino-acid change (aspartic acid 1189 retained).
Molecular consequence: synonymous variant.
Genome position (GRCh38, 1-based): chr17:61,683,479, A>G on the plus strand (T>C on the coding strand, the complement: BRIP1 is on the minus strand). VCF-style: chr17-61683479-A-G. GRCh37 (hg19) VCF-style: chr17-59760840-A-G.
Identifiers: ClinVar variation 185173 (VCV000185173.30), dbSNP rs764848326, ClinGen allele CA191229.